The following is an entry in ClinVar:

ClinVar aggregate classification (germline): Benign (3 of 4 stars; one submission).

Conditions:
Breast-ovarian cancer, familial, susceptibility to, 2 (BROVCA2). Also called: BRCA2 Hereditary Breast and Ovarian Cancer. Identifiers: Orphanet 145, MedGen C2675520, MONDO:0012933, OMIM 612555. Disease mechanism: loss of function.

Allele frequency attached by ClinVar (database versions not stated): gnomAD 0.26117 and 0.26638; 1000 Genomes Project 0.94469.
gnomAD v4.1: 36,262 of 138,866 alleles (26%); highest among the groups gnomAD compares: Non-Finnish European, 29%; 4,649 homozygotes.

Submission:

Evidence-based Network for the Interpretation of Germline Mutant Alleles (ENIGMA)
Classification: Benign for Breast-ovarian cancer, familial, susceptibility to, 2. Last evaluated: 2016-09-28. Review status: reviewed by expert panel. Criteria: ENIGMA BRCA1/2 Classification Criteria (2015). Collection method: curation. Allele origin: germline.
Comment: Class 1 not pathogenic based on frequency >1% in an outbred sampleset. Frequency 0.9533 (European), 0.8926 (African), 0.9683 (Admixed American/Latino), 0.9782 (East Asian), 0.955 (South Asian), derived from 1000 genomes (2013-05-02).

NM_000059.4(BRCA2):c.8332-1592G>T

Gene: BRCA2 (BRCA2 DNA repair associated; plus strand). Cytogenetic location: 13q13.1.
Variant type: single nucleotide variant.
Coding change: c.8332-1592G>T on transcript NM_000059.4 (MANE Select); 1592 bases into the intron before coding-DNA position 8332, G replaced by T.
Molecular consequence: intron variant.
Genome position (GRCh38, 1-based): chr13:32,368,810, G>T. VCF-style: chr13-32368810-G-T. GRCh37 (hg19) VCF-style: chr13-32942947-G-T.
Identifiers: ClinVar variation 264876 (VCV000264876.1), dbSNP rs12868315, ClinGen allele CA10588139.
Genomic context (GRCh38, chr13:32,368,810, plus strand): 5'-AAGAATTTTATTTCAGTTTGTTGTTTGTTGTTTGTTTTTTGTTTTTTTGTTTTTTTTTTG[G>T]TTTTTTTTGTTTTTTTTTTAGATGGAGTCTTGCTCTGTTGCCCAGGCTAGAGTGCAGTGG-3'